The following is an entry in ClinVar:

NM_001165963.4(SCN1A):c.2416-2A>C

Gene: SCN1A (sodium voltage-gated channel alpha subunit 1; minus strand). Cytogenetic location: 2q24.3.
Variant type: single nucleotide variant.
Coding change: c.2416-2A>C on transcript NM_001165963.4 (MANE Select); the canonical splice acceptor site of the intron before coding-DNA position 2416, A replaced by C.
Molecular consequence: splice acceptor variant.
Genome position (GRCh38, 1-based): chr2:166,039,598, T>G on the plus strand (A>C on the coding strand, the complement: SCN1A is on the minus strand). VCF-style: chr2-166039598-T-G. GRCh37 (hg19) VCF-style: chr2-166896108-T-G.
Other names: c.2416-2A>C (NM_001202435.3, NM_001353948.2); c.2380-2A>C (NM_001353955.2, NM_001353954.2); c.2332-2A>C (NM_001353957.2, NM_001165964.3, NM_001353958.2); c.2383-2A>C (NM_001353951.2, NM_001353952.2, NM_006920.6 and 2 more transcripts); c.2329-2A>C (NM_001353960.2); c.-27-2A>C (NM_001353961.2).
Identifiers: ClinVar variation 4852168 (VCV004852168.1).
Genomic context (GRCh38, chr2:166,039,598, plus strand): 5'-TAAGGATCCATGGCAATAATTTTCAGAAACATTTCTGCTGTAAAGATCCCAGTGAAAACC[T>G]AAGATCAAAACAAAATTAATCTAATTCCACCAGATAATAACATACATGACATAAGATTTG-3'

ClinVar aggregate classification (germline): Pathogenic (1 of 4 stars; one submission).

Conditions:
Autosomal dominant SCN1A-related disorders.

Submission:

Variantyx, Inc.
Classification: Pathogenic for Autosomal dominant SCN1A-related disorders. Last evaluated: 2025-10-08. Review status: criteria provided, single submitter. Criteria: Variantyx Assertion Criteria 2022. Collection method: clinical testing. Allele origin: de novo. Inheritance: Autosomal dominant inheritance. Affected: yes.
Comment: This is a canonical splicing variant in the SCN1A gene (OMIM: 182389). Pathogenic variants in this gene have been associated with autosomal dominant SCN1A-related disorders. This is a canonical splicing variant in intron 16 out of 28 and is expected to result in loss of function, which is a known disease mechanism for SCN1A in this disorder (PMID: 11359211, 11940708, 18930999) (PVS1). Based on the current evidence, this variant is classified as pathogenic for autosomal dominant SCN1A-related disorders.

Literature cited by the submitters: PubMed 11359211; PubMed 11940708; PubMed 18930999.